The following is an entry in ClinVar:

ClinVar aggregate classification (germline): Conflicting classifications of pathogenicity. Review status: criteria provided, conflicting classifications (1 of 4 stars). 3 submissions from 3 submitters: Uncertain significance (1); Likely benign (2). Last evaluated 2024-11-08.

Conditions:
Hereditary cancer-predisposing syndrome. Also called: Hereditary Cancer Syndrome; Tumor predisposition; Neoplastic Syndromes, Hereditary; Hereditary neoplastic syndrome. Identifiers: Orphanet 140162, MedGen C0027672, MeSH D009386, MONDO:0015356.
Hereditary breast ovarian cancer syndrome. Also called: Hereditary breast and ovarian cancer syndrome (HBOC); Hereditary breast and/or ovarian cancer syndrome; Hereditary breast and ovarian cancer; BRCA1- and BRCA2-Associated Hereditary Breast and Ovarian Cancer; Breast and ovarian cancer; Hereditary breast and ovarian cancer syndrome. Identifiers: Orphanet 145, MedGen C0677776, MeSH D061325, MONDO:0003582. Disease mechanism: loss of function.

Submissions (3):

Ambry Genetics
Classification: Likely benign for Hereditary cancer-predisposing syndrome. Last evaluated: 2024-11-08. Review status: criteria provided, single submitter. Criteria: Ambry Variant Classification Scheme 2023. Collection method: clinical testing. Allele origin: germline.

University of Washington Department of Laboratory Medicine, University of Washington
Classification: Likely benign for Hereditary cancer-predisposing syndrome. Last evaluated: 2023-03-23. Review status: criteria provided, single submitter. Criteria: Dines et al. (Genet Med. 2020). Collection method: curation. Allele origin: germline.
Comment: Missense variant in a coldspot region where missense variants are very unlikely to be pathogenic (PMID:31911673).

BRCA2 exon 11 coldspot. Reclassification based on statistical prior probability.

Labcorp Genetics (formerly Invitae), Labcorp
Classification: Uncertain significance for Hereditary breast ovarian cancer syndrome. Last evaluated: 2022-08-19. Review status: criteria provided, single submitter. Criteria: Invitae Variant Classification Sherloc (09022015). Collection method: clinical testing. Allele origin: germline.
Comment: This variant is not present in population databases (gnomAD no frequency). This sequence change replaces methionine, which is neutral and non-polar, with isoleucine, which is neutral and non-polar, at codon 1745 of the BRCA2 protein (p.Met1745Ile). This variant has not been reported in the literature in individuals affected with BRCA2-related conditions. In summary, the available evidence is currently insufficient to determine the role of this variant in disease. Therefore, it has been classified as a Variant of Uncertain Significance. Advanced modeling of protein sequence and biophysical properties (such as structural, functional, and spatial information, amino acid conservation, physicochemical variation, residue mobility, and thermodynamic stability) performed at Invitae indicates that this missense variant is not expected to disrupt BRCA2 protein function.

NM_000059.4(BRCA2):c.5235G>A (p.Met1745Ile)

Gene: BRCA2 (BRCA2 DNA repair associated; plus strand). Cytogenetic location: 13q13.1.
Variant type: single nucleotide variant.
Coding change: c.5235G>A on transcript NM_000059.4 (MANE Select); coding-DNA position 5235, G replaced by A.
Protein change: p.Met1745Ile; replaces methionine 1745 with isoleucine.
Molecular consequence: missense variant.
Genome position (GRCh38, 1-based): chr13:32,339,590, G>A. VCF-style: chr13-32339590-G-A. GRCh37 (hg19) VCF-style: chr13-32913727-G-A.
Other names: c.5235G>A, p.Met1745Ile (NM_001406719.1, NM_001406720.1); short protein forms M1745I.
Identifiers: ClinVar variation 2120229 (VCV002120229.7), dbSNP rs2137515425, ClinGen allele CA387784668.
Genomic context (GRCh38, chr13:32,339,590, plus strand): 5'-TGAAAATGACAAAAATCATCTCTCCGAAAAACAAGATACTTATTTAAGTAACAGTAGCAT[G>A]TCTAACAGCTATTCCTACCATTCTGATGAGGTATATAATGATTCAGGATATCTCTCAAAA-3'
Protein context (NP_000050.3, residues 1735-1755): KQDTYLSNSS[Met1745Ile]SNSYSYHSDE